The following is an entry in ClinVar:

NM_020843.4(SCAPER):c.1190A>G (p.Lys397Arg)

Gene: SCAPER (S-phase cyclin A associated protein in the ER; minus strand). Cytogenetic location: 15q24.3.
Variant type: single nucleotide variant.
Coding change: c.1190A>G on transcript NM_020843.4 (MANE Select); coding-DNA position 1190, A replaced by G.
Protein change: p.Lys397Arg; replaces lysine 397 with arginine.
Molecular consequence: missense variant. On other transcripts: non-coding transcript variant (1).
Genome position (GRCh38, 1-based): chr15:76,771,800, T>C on the plus strand (A>G on the coding strand, the complement: SCAPER is on the minus strand). VCF-style: chr15-76771800-T-C. GRCh37 (hg19) VCF-style: chr15-77064141-T-C.
Other names: c.452A>G, p.Lys151Arg (NM_001145923.2); c.1190A>G, p.Lys397Arg (NM_001353009.2); c.788A>G, p.Lys263Arg (NM_001353010.2, NM_001353011.2, NM_001353012.2); short protein forms K151R, K263R, K397R.
Identifiers: ClinVar variation 4990401 (VCV004990401.1).

ClinVar aggregate classification (germline): Uncertain significance (1 of 4 stars; one submission).

Conditions:
SCAPER-related disorder. Also called: SCAPER-related condition.

gnomAD v4.1: 44 of 1,613,096 alleles (0.0027%); highest among the groups gnomAD compares: Non-Finnish European, 0.0037%; no homozygotes.

Submission:

PreventionGenetics, part of Exact Sciences
Classification: Uncertain significance for SCAPER-related condition. Last evaluated: 2024-11-29. Review status: criteria provided, single submitter. Criteria: ACMG Guidelines, 2015. Collection method: clinical testing. Allele origin: germline.
Comment: The SCAPER c.1190A>G variant is predicted to result in the amino acid substitution p.Lys397Arg. To our knowledge, this variant has not been reported in the literature. This variant is reported in 0.0035% of alleles in individuals of European (Non-Finnish) descent in gnomAD. At this time, the clinical significance of this variant is uncertain due to the absence of conclusive functional and genetic evidence.